The following is an entry in ClinVar:

NM_001267550.2(TTN):c.93101C>A (p.Thr31034Lys)

Genes: TTN (titin; minus strand), TTN-AS1 (TTN antisense RNA 1; plus strand). Cytogenetic location: 2q31.2.
Variant type: single nucleotide variant.
Coding change: c.93101C>A on transcript NM_001267550.2 (MANE Select); coding-DNA position 93101, C replaced by A.
Protein change: p.Thr31034Lys; replaces threonine 31034 with lysine.
Molecular consequence: missense variant.
Genome position (GRCh38, 1-based): chr2:178,548,525, G>T on the plus strand (C>A on the coding strand, the complement: TTN is on the minus strand). VCF-style: chr2-178548525-G-T. GRCh37 (hg19) VCF-style: chr2-179413252-G-T.
Other names: c.85397C>A, p.Thr28466Lys (NM_133378.4); c.88178C>A, p.Thr29393Lys (NM_001256850.1); c.65906C>A, p.Thr21969Lys (NM_003319.4); c.66281C>A, p.Thr22094Lys (NM_133432.3); c.66482C>A, p.Thr22161Lys (NM_133437.4); short protein forms T28466K, T31034K, T21969K, T29393K, T22094K, T22161K.
Identifiers: ClinVar variation 179450 (VCV000179450.5), dbSNP rs727504875, ClinGen allele CA184439.

ClinVar aggregate classification (germline): Uncertain significance (1 of 4 stars; one submission).

Submission:

Laboratory for Molecular Medicine, Mass General Brigham Personalized Medicine
Classification: Uncertain significance. Last evaluated: 2013-12-26. Review status: criteria provided, single submitter. Criteria: LMM Criteria. Collection method: clinical testing. Allele origin: germline. Observed: 1 variant allele.
Comment: The Thr28466Lys variant in TTN has not been reported in individuals with cardiom yopathy or in large population studies. Computational analyses (biochemical amin o acid properties, conservation, PolyPhen2, and SIFT) suggest that this variant may impact the protein, though this information is not predictive enough to dete rmine pathogenicity. Additional information is needed to fully assess the clinic al significance of the Thr28466Lys variant.